The following is an entry in ClinVar:

ClinVar aggregate classification (germline): Uncertain significance (1 of 4 stars; one submission).

Allele frequency attached by ClinVar (database versions not stated): gnomAD exomes 0.00006; ExAC 0.00007; gnomAD 0.00007; TOPMed 0.00014; ESP Exome Variant Server 0.00023.

Submission:

Labcorp Genetics (formerly Invitae), Labcorp
Classification: Uncertain significance. Last evaluated: 2025-10-27. Review status: criteria provided, single submitter. Criteria: Invitae Variant Classification Sherloc (09022015). Collection method: clinical testing. Allele origin: germline.
Comment: This sequence change replaces alanine, which is neutral and non-polar, with valine, which is neutral and non-polar, at codon 49 of the CHCHD2 protein (p.Ala49Val). The frequency data for this variant in the population databases is considered unreliable, as metrics indicate poor data quality at this position in the gnomAD database. This missense change has been observed in individual(s) with Parkinson disease (PMID: 26561290). ClinVar contains an entry for this variant (Variation ID: 1942464). Experimental studies and prediction algorithms are not available or were not evaluated, and the functional significance of this variant is currently unknown. In summary, the available evidence is currently insufficient to determine the role of this variant in disease. Therefore, it has been classified as a Variant of Uncertain Significance.

Literature cited by the submitters: PubMed 26561290.

NM_016139.4(CHCHD2):c.146C>T (p.Ala49Val)

Gene: CHCHD2 (coiled-coil-helix-coiled-coil-helix domain containing 2; minus strand). Cytogenetic location: 7p11.2.
Variant type: single nucleotide variant.
Coding change: c.146C>T on transcript NM_016139.4 (MANE Select); coding-DNA position 146, C replaced by T.
Protein change: p.Ala49Val; replaces alanine 49 with valine.
Molecular consequence: missense variant.
Genome position (GRCh38, 1-based): chr7:56,104,380, G>A on the plus strand (C>T on the coding strand, the complement: CHCHD2 is on the minus strand). VCF-style: chr7-56104380-G-A. GRCh37 (hg19) VCF-style: chr7-56172073-G-A.
Other names: c.146C>T, p.Ala49Val (NM_001320327.2); short protein forms A49V.
Identifiers: ClinVar variation 1942464 (VCV001942464.5), dbSNP rs151213700, ClinGen allele CA4270572.